The following is an entry in ClinVar:

NM_001166108.2(PALLD):c.154G>T (p.Asp52Tyr)

Gene: PALLD (palladin, cytoskeletal associated protein; plus strand). Cytogenetic location: 4q32.3.
Variant type: single nucleotide variant.
Coding change: c.154G>T on transcript NM_001166108.2 (MANE Select); coding-DNA position 154, G replaced by T.
Protein change: p.Asp52Tyr; replaces aspartic acid 52 with tyrosine.
Molecular consequence: missense variant.
Genome position (GRCh38, 1-based): chr4:168,511,658, G>T. VCF-style: chr4-168511658-G-T. GRCh37 (hg19) VCF-style: chr4-169432809-G-T.
Other names: c.154G>T, p.Asp52Tyr (NM_016081.4); short protein forms D52Y.
Identifiers: ClinVar variation 3226742 (VCV003226742.1), dbSNP rs539876255, ClinGen allele CA358724818.

ClinVar aggregate classification (germline): Uncertain significance (1 of 4 stars; one submission).

Submission:

Ambry Genetics
Classification: Uncertain significance. Last evaluated: 2023-09-27. Review status: criteria provided, single submitter. Criteria: Ambry Variant Classification Scheme 2023. Collection method: clinical testing. Allele origin: germline.
Comment: The p.D52Y variant (also known as c.154G>T), located in coding exon 1 of the PALLD gene, results from a G to T substitution at nucleotide position 154. The aspartic acid at codon 52 is replaced by tyrosine, an amino acid with highly dissimilar properties. This amino acid position is conserved. In addition, this alteration is predicted to be tolerated by in silico analysis. Since supporting evidence is limited at this time, the clinical significance of this alteration remains unclear.